The following is an entry in ClinVar:

ClinVar aggregate classification (germline): Benign/Likely benign. Review status: criteria provided, multiple submitters, no conflicts (2 of 4 stars). 7 submissions from 7 submitters: Benign (2); Likely benign (4). 1 of the submissions does not count toward it. Last evaluated 2026-01-28.

Conditions:
CACNA1E-related disorder. Also called: CACNA1E-related condition.
Developmental and epileptic encephalopathy, 69. Also called: EPILEPTIC ENCEPHALOPATHY, EARLY INFANTILE, 69. Identifiers: MedGen C4748988, MONDO:0032657, OMIM 618285.

Allele frequency attached by ClinVar (database versions not stated): 1000 Genomes Project 30x 0.00016; 1000 Genomes Project 0.00020; gnomAD 0.00043 and 0.00033; gnomAD exomes 0.00044 and 0.00059; TOPMed 0.00036; ESP Exome Variant Server 0.00048; ExAC 0.00088.
gnomAD v4.1: 726 of 1,608,906 alleles (0.045%); highest among the groups gnomAD compares: Middle Eastern, 0.84%; 7 homozygotes.

Submissions (7):

Labcorp Genetics (formerly Invitae), Labcorp
Classification: Likely benign. Last evaluated: 2026-01-28. Review status: criteria provided, single submitter. Criteria: Invitae Variant Classification Sherloc (09022015). Collection method: clinical testing. Allele origin: germline.

Blueprint Genetics
Classification: Likely benign. Last evaluated: 2024-10-03. Review status: criteria provided, single submitter. Criteria: ACMG Guidelines, 2015. Collection method: clinical testing. Allele origin: germline.

Genome-Nilou Lab
Classification: Likely benign for Developmental and epileptic encephalopathy, 69. Last evaluated: 2023-04-11. Review status: criteria provided, single submitter. Criteria: ACMG Guidelines, 2015. Collection method: clinical testing. Allele origin: germline. Affected: no.

CeGaT Center for Human Genetics Tuebingen
Classification: Benign. Last evaluated: 2022-11-01. Review status: criteria provided, single submitter. Criteria: CeGaT Center For Human Genetics Tuebingen Variant Classification Criteria Version 2. Collection method: clinical testing. Allele origin: germline. Affected: yes. Observed: 2 variant alleles.
Comment: CACNA1E: BS1, BS2

GeneDx
Classification: Benign. Last evaluated: 2021-04-26. Review status: criteria provided, single submitter. Criteria: GeneDx Variant Classification Process June 2021. Collection method: clinical testing. Allele origin: germline. Affected: yes.

Breakthrough Genomics
Classification: Likely benign. Review status: criteria provided, single submitter. Criteria: ACMG Guidelines, 2015. Collection method: not provided. Allele origin: germline. Inheritance: Autosomal dominant inheritance. Affected: yes.

PreventionGenetics, part of Exact Sciences
Classification: Likely benign for CACNA1E-related condition. Last evaluated: 2019-06-28. Review status: no assertion criteria provided. Collection method: clinical testing. Allele origin: germline. Not counted in ClinVar's aggregate classification.
Comment: This variant is classified as likely benign based on ACMG/AMP sequence variant interpretation guidelines (Richards et al. 2015 PMID: 25741868, with internal and published modifications).

NM_001205293.3(CACNA1E):c.6359G>A (p.Arg2120Lys)

Gene: CACNA1E (calcium voltage-gated channel subunit alpha1 E; plus strand). Cytogenetic location: 1q25.3.
Variant type: single nucleotide variant.
Coding change: c.6359G>A on transcript NM_001205293.3 (MANE Select); coding-DNA position 6359, G replaced by A.
Protein change: p.Arg2120Lys; replaces arginine 2120 with lysine.
Molecular consequence: missense variant.
Genome position (GRCh38, 1-based): chr1:181,796,818, G>A. VCF-style: chr1-181796818-G-A. GRCh37 (hg19) VCF-style: chr1-181765954-G-A.
Other names: c.6230G>A, p.Arg2077Lys (NM_000721.4); c.6173G>A, p.Arg2058Lys (NM_001205294.2); short protein forms R2058K, R2077K, R2120K.
Identifiers: ClinVar variation 1109559 (VCV001109559.37), dbSNP rs200113695, ClinGen allele CA1276386.
Genomic context (GRCh38, chr1:181,796,818, plus strand): 5'-GCAATTCAGAAGAGCGAGGGACCCAGGCTGACTGGGAGTCCCCAGAGCGCCGTCAATCCA[G>A]GTCACCCAGTGAGGGCAGGTCACAGACGCCCAACAGACAGGTGAGCGCAGAGAGGAAGCC-3'
Protein context (NP_001192222.1, residues 2110-2130): DWESPERRQS[Arg2120Lys]SPSEGRSQTP